The following is an entry in ClinVar:

ClinVar aggregate classification (germline): Uncertain significance (1 of 4 stars; one submission).

Conditions:
Neuropathy, hereditary sensory and autonomic, type 1C. Also called: HSAN IC; HSN IC. Identifiers: Orphanet 36386, MedGen C3150896, MONDO:0013337, OMIM 613640.

Allele frequency attached by ClinVar (database versions not stated): gnomAD exomes 0.00001.
gnomAD v4.1: 4 of 1,534,922 alleles (0.00026%); highest among the groups gnomAD compares: East Asian, 0.0098%; no homozygotes.

Submission:

Labcorp Genetics (formerly Invitae), Labcorp
Classification: Uncertain significance for Neuropathy, hereditary sensory and autonomic, type 1C. Last evaluated: 2023-01-17. Review status: criteria provided, single submitter. Criteria: Invitae Variant Classification Sherloc (09022015). Collection method: clinical testing. Allele origin: germline.
Comment: This sequence change replaces asparagine, which is neutral and polar, with serine, which is neutral and polar, at codon 17 of the SPTLC2 protein (p.Asn17Ser). This variant is not present in population databases (gnomAD no frequency). This variant has not been reported in the literature in individuals affected with SPTLC2-related conditions. Algorithms developed to predict the effect of missense changes on protein structure and function (SIFT, PolyPhen-2, Align-GVGD) all suggest that this variant is likely to be tolerated. In summary, the available evidence is currently insufficient to determine the role of this variant in disease. Therefore, it has been classified as a Variant of Uncertain Significance.

NM_004863.4(SPTLC2):c.50A>G (p.Asn17Ser)

Gene: SPTLC2 (serine palmitoyltransferase long chain base subunit 2; minus strand). Cytogenetic location: 14q24.3.
Variant type: single nucleotide variant.
Coding change: c.50A>G on transcript NM_004863.4 (MANE Select); coding-DNA position 50, A replaced by G.
Protein change: p.Asn17Ser; replaces asparagine 17 with serine.
Molecular consequence: missense variant.
Genome position (GRCh38, 1-based): chr14:77,616,530, T>C on the plus strand (A>G on the coding strand, the complement: SPTLC2 is on the minus strand). VCF-style: chr14-77616530-T-C. GRCh37 (hg19) VCF-style: chr14-78082873-T-C.
Other names: short protein forms N17S.
Identifiers: ClinVar variation 2829404 (VCV002829404.3), dbSNP rs2503570507, ClinGen allele CA390712487.